The following is an entry in ClinVar:

NM_000059.4(BRCA2):c.4936_4939del (p.Glu1646fs)

Gene: BRCA2 (BRCA2 DNA repair associated; plus strand). Cytogenetic location: 13q13.1.
Variant type: Deletion.
Coding change: c.4936_4939del on transcript NM_000059.4 (MANE Select); coding-DNA positions 4936 to 4939, 4 bases deleted (GAAA; older notation c.4936_4939delGAAA).
Protein change: p.Glu1646fs; shifts the reading frame from glutamic acid 1646.
Molecular consequence: frameshift variant.
Genome position (GRCh38, 1-based): chr13:32,339,291-32,339,294, GAAA deleted; deleting any 4 consecutive bases within chr13:32,339,288-32,339,294 gives the same sequence; the c. name uses the placement nearest the transcript's 3' end. VCF-style (leftmost placement, unchanged base first): chr13-32339287-AAAAG-A. GRCh37 (hg19) VCF-style: chr13-32913424-AAAAG-A.
Other names: 5164del4; c.4936_4939delGAAA (NM_000059.3).
Identifiers: ClinVar variation 37935 (VCV000037935.61), dbSNP rs80359473, ClinGen allele CA021036.
Genomic context (GRCh38, chr13:32,339,287, plus strand): 5'-TGAAAATCTCAAAACATCAAAAAGTATCTTTTTGAAAGTTAAAGTACATGAAAATGTAGA[AAAAG>A]AAACAGCAAAAAGTCCTGCAACTTGTTACACAAATCAGTCCCCTTATTCAGTCATTGAAA-3'

ClinVar aggregate classification (germline): Pathogenic. Review status: reviewed by expert panel (3 of 4 stars). 29 submissions from 29 submitters: Pathogenic (1). 28 of the submissions do not count toward it. Last evaluated 2016-09-08.

Conditions:
Hereditary breast ovarian cancer syndrome. Also called: Hereditary breast and ovarian cancer; Breast and ovarian cancer; BRCA1- and BRCA2-Associated Hereditary Breast and Ovarian Cancer; Hereditary breast and/or ovarian cancer syndrome; Hereditary breast and ovarian cancer syndrome (HBOC); Hereditary breast and ovarian cancer syndrome. Identifiers: Orphanet 145, MedGen C0677776, MeSH D061325, MONDO:0003582. Disease mechanism: loss of function.
BRCA2-related cancer predisposition. Identifiers: MedGen CN377758, MONDO:0700269.
Hereditary cancer-predisposing syndrome. Also called: Tumor predisposition; Hereditary Cancer Syndrome; Hereditary neoplastic syndrome; Neoplastic Syndromes, Hereditary. Identifiers: Orphanet 140162, MedGen C0027672, MeSH D009386, MONDO:0015356.
Breast-ovarian cancer, familial, susceptibility to, 2 (BROVCA2). Also called: BRCA2 Hereditary Breast and Ovarian Cancer. Identifiers: Orphanet 145, MedGen C2675520, MONDO:0012933, OMIM 612555. Disease mechanism: loss of function.
Breast-ovarian cancer, familial, susceptibility to, 1 (BROVCA1). Also called: OVARIAN CANCER, SUSCEPTIBILITY TO; BRCA1 Hereditary Breast and Ovarian Cancer. Identifiers: Orphanet 145, MedGen C2676676, MONDO:0011450, OMIM 604370. Disease mechanism: loss of function.
Familial cancer of breast. Also called: hereditary breast carcinoma; BREAST CANCER, FAMILIAL; Hereditary breast cancer. Identifiers: Orphanet 227535, MedGen C0346153, MONDO:0016419, OMIM 114480. Disease mechanism: loss of function.

Submissions 1 to 8 of 29:

Evidence-based Network for the Interpretation of Germline Mutant Alleles (ENIGMA)
Classification: Pathogenic for Breast-ovarian cancer, familial, susceptibility to, 2. Last evaluated: 2016-09-08. Review status: reviewed by expert panel. Criteria: ENIGMA BRCA1/2 Classification Criteria (2015). Collection method: curation. Allele origin: germline.
Comment: Variant allele predicted to encode a truncated non-functional protein.

Ambry Genetics
Classification: Pathogenic for Hereditary cancer-predisposing syndrome. Last evaluated: 2026-08-26. Review status: criteria provided, single submitter. Criteria: Ambry Variant Classification Scheme 2023. Collection method: clinical testing. Allele origin: germline. Not counted in ClinVar's aggregate classification.
Comment: The c.4936_4939delGAAA (p.E1646Qfs*23) alteration, located in exon 11 (coding exon 10) of the BRCA2 gene, consists of a deletion of 4 nucleotides from position 4936 to 4939, causing a translational frameshift with a predicted alternate stop codon after 23 amino acids. This alteration is expected to result in loss of function by premature protein truncation or nonsense-mediated mRNA decay. This variant was not reported in population-based cohorts in the Genome Aggregation Database (gnomAD). This mutation has been reported in multiple hereditary breast and ovarian cancer (HBOC) syndrome families (Weitzel, 2005; Kaufman, 2006; Infante, 2006; Borg, 2010; Stegel, 2011; Laitman, 2011; De Leeneer, 2012; Novakovi, 2012; de Juan Jim&eacute;nez, 2013; H&oslash;berg-Vetti, 2016; Gabald&oacute; Barrios, 2017; Bunnell, 2017; Baert, 2017; Rummel, 2017; Carter, 2018; Labidi-Galy, 2018; Deng, 2019; Palmer, 2020; Breast Cancer Association, 2021). Of note, this alteration is also designated as 5164del4, c.5164_5167del, and c.5164_5167delGAAA in published literature. Based on the available evidence, this alteration is classified as pathogenic.

Institute of Human Genetics, University of Leipzig Medical Center
Classification: Pathogenic for Breast-ovarian cancer, familial, susceptibility to, 1. Last evaluated: 2026-03-09. Review status: criteria provided, single submitter. Criteria: ACMG Guidelines, 2015. Collection method: clinical testing. Allele origin: unknown. Inheritance: Autosomal dominant inheritance. Affected: yes. Not counted in ClinVar's aggregate classification.
Comment: Criteria applied: PVS1,PM5_STR,PM2_SUP,PM3_SUP,PP4_VSTR

Labcorp Genetics (formerly Invitae), Labcorp
Classification: Pathogenic for Hereditary breast ovarian cancer syndrome. Last evaluated: 2026-01-20. Review status: criteria provided, single submitter. Criteria: Invitae Variant Classification Sherloc (09022015). Collection method: clinical testing. Allele origin: germline. Not counted in ClinVar's aggregate classification.
Comment: This sequence change creates a premature translational stop signal (p.Glu1646Glnfs*23) in the BRCA2 gene. It is expected to result in an absent or disrupted protein product. Loss-of-function variants in BRCA2 are known to be pathogenic (PMID: 20104584). This variant is not present in population databases (gnomAD no frequency). This premature translational stop signal has been observed in individual(s) with Fanconi anemia (PMID: 15070707, 20960228, 22923021, 23479189, 26350514). This variant is also known as c.4933_4936delAAAG and 5164del4. ClinVar contains an entry for this variant (Variation ID: 37935). For these reasons, this variant has been classified as Pathogenic.

Color Diagnostics, LLC DBA Color Health
Classification: Pathogenic for Hereditary cancer-predisposing syndrome. Last evaluated: 2025-10-21. Review status: criteria provided, single submitter. Criteria: ACMG Guidelines, 2015. Collection method: clinical testing. Allele origin: germline. Not counted in ClinVar's aggregate classification.
Comment: This variant deletes 4 nucleotides in exon 11 of the BRCA2 gene, creating a frameshift and premature translation stop signal. This variant is expected to result in an absent or non-functional protein product. This variant has been reported in at least 10 heterozygous individuals affected with breast and ovarian cancer (PMID: 16030099, 17020472, 20104584, 21553119, 23479189, 26026974, 28503720, 29084914, 29560538, 33471991, 34290354, 34645131, 34933735Leiden Open Variation Database DB-ID BRCA2_001062Color internal data) and 3 individuals affected with pancreatic cancer (PMID: 30274973, Color internal data). Multifactorial analysis reached a combined likelihood ratio (LR) of 66622.002 based on personal and family history LR for 25 carriers and case-control LR (PMID: 31853058, 40413188). This variant also has been observed in compound heterozygous state with a known pathogenic BRCA2 mutation in individuals affected with the recessive disease, Fanconi anemia (PMID: 15070707). This variant has not been identified in the general population by the Genome Aggregation Database (gnomAD). Loss of BRCA2 function is a known mechanism of disease. Based on the available evidence, this variant is classified as Pathogenic.

Helix
Classification: Pathogenic for Breast-ovarian cancer, familial, susceptibility to, 2. Last evaluated: 2025-10-03. Review status: criteria provided, single submitter. Criteria: ACMG Guidelines, 2015. Collection method: clinical testing. Allele origin: germline. Inheritance: Autosomal dominant inheritance. Not counted in ClinVar's aggregate classification.
Comment: This variant (NM_000059.4:c.4936_4939del p.Glu1646GlnfsTer23) results in a frameshift, which creates a premature stop codon in the BRCA2 gene. This variant is also known as 5164del4, 5164_5167del. It is predicted to result in nonsense-mediated mRNA decay or in the production of a truncated protein, leading to loss-of-function (LOF). LOF variants in this gene are known to be deleterious (PMID: 20104584, 20301575). It is a rare variant that is absent from the large gnomAD population database (PMID: 32461654). This variant has been observed in numerous individuals with BRCA2-related cancers (PMID: 23479189, 26026974, 28477318, 28503720, 30322717, 29560538, 35578052), and also co-occurred with another pathogenic BRCA2 variant in two siblings with Fanconi anemia (PMID: 15070707). This variant is present in ClinVar (Accession: VCV000037935.53). In conclusion, this variant has been classified as Pathogenic.

Dasa
Classification: Pathogenic for Breast-ovarian cancer, familial, susceptibility to, 2. Last evaluated: 2025-09-30. Review status: criteria provided, single submitter. Criteria: DASA Assertion Criteria. Collection method: clinical testing. Allele origin: germline. Not counted in ClinVar's aggregate classification.
Comment: NM_000059.4(BRCA2):c.4936_4939del (p.Glu1646Glnfs*23) is a frameshift variant in BRCA2 predicted to alter the reading frame and introduce a premature termination codon and is predicted to result in an absent or altered protein product. Loss of function is an established disease mechanism for BRCA2 (PMID: 16199546; PMID: 17063271; PMID: 25632310). The affected residue or protein region has prior evidence supporting clinical relevance. This variant has been reported in individuals with Breast-ovarian cancer, familial, susceptibility to, 2 (PMID: 15070707). Also, this variant is rare in population databases. Based on the currently available evidence, this variant is classified as pathogenic.

Quest Diagnostics Nichols Institute San Juan Capistrano
Classification: Pathogenic. Last evaluated: 2025-05-02. Review status: criteria provided, single submitter. Criteria: Quest Diagnostics criteria. Collection method: clinical testing. Allele origin: unknown. Not counted in ClinVar's aggregate classification.
Comment: The BRCA2 c.4936_4939del (p.Glu1646Glnfs*23) variant alters the translational reading frame of the BRCA2 mRNA and causes the premature termination of BRCA2 protein synthesis. This variant has been reported in the published literature in individuals affected with breast cancer (PMIDs: 34645131 (2022), 26026974 (2015), 22923021 (2012), 21232165 (2011), 17020472 (2006), 16030099 (2005)), and pancreatic cancer (PMID: 30274973 (2018)). This variant has not been reported in large, multi-ethnic general populations (Genome Aggregation Database). Based on the available information, this variant is classified as pathogenic.